The following is an entry in ClinVar:

ClinVar aggregate classification (germline): Likely benign (0 of 4 stars; one submission).

Conditions:
GPR160-related disorder. Also called: GPR160-related condition.

Allele frequency attached by ClinVar (database versions not stated): TOPMed below 0.00001.

Submission:

PreventionGenetics, part of Exact Sciences
Classification: Likely benign for GPR160-related condition. Last evaluated: 2020-10-21. Review status: no assertion criteria provided. Collection method: clinical testing. Allele origin: germline.
Comment: This variant is classified as likely benign based on ACMG/AMP sequence variant interpretation guidelines (Richards et al. 2015 PMID: 25741868, with internal and published modifications).

NM_014373.3(GPR160):c.-10A>C

Gene: GPR160 (G protein-coupled receptor 160; plus strand). Cytogenetic location: 3q26.2.
Variant type: single nucleotide variant.
Coding change: c.-10A>C on transcript NM_014373.3 (MANE Select); 10 bases upstream of the start codon, A replaced by C.
Molecular consequence: 5 prime UTR variant.
Genome position (GRCh38, 1-based): chr3:170,083,963, A>C. VCF-style: chr3-170083963-A-C. GRCh37 (hg19) VCF-style: chr3-169801751-A-C.
Identifiers: ClinVar variation 3032113 (VCV003032113.2), dbSNP rs1713270436, ClinGen allele CA1419725411.